The following is an entry in ClinVar:

ClinVar aggregate classification (germline): Likely benign. Review status: criteria provided, multiple submitters, no conflicts (2 of 4 stars). 3 submissions from 3 submitters: Likely benign (3). Last evaluated 2025-08-17.

Conditions:
DST-related disorder. Also called: DST-related condition; DST-related disorders.
Inborn genetic diseases. Identifiers: MedGen C0950123, MeSH D030342.
Epidermolysis bullosa simplex 3, localized or generalized intermediate, with BP230 deficiency (EBS3). Also called: Epidermolysis bullosa simplex, autosomal recessive 2; Epidermolysis bullosa simplex due to BP230 deficiency. Identifiers: Orphanet 412181, MedGen C3809470, MONDO:0014180, OMIM 615425.
Hereditary sensory and autonomic neuropathy type 6. Also called: Neuropathy, hereditary sensory and autonomic, type VI; HSAN VI. Identifiers: Orphanet 314381, MedGen C3539003, MONDO:0013839, OMIM 614653.

Allele frequency attached by ClinVar (database versions not stated): gnomAD exomes 0.00006 and 0.00020; ExAC 0.00024; 1000 Genomes Project 0.00040; 1000 Genomes Project 30x 0.00047; gnomAD 0.00071 and 0.00079; TOPMed 0.00077; ESP Exome Variant Server 0.00099.
gnomAD v4.1: 195 of 1,614,030 alleles (0.012%); highest among the groups gnomAD compares: African/African-American, 0.24%; no homozygotes.

Submissions (3):

Labcorp Genetics (formerly Invitae), Labcorp
Classification: Likely benign for Epidermolysis bullosa simplex 3, localized or generalized intermediate, with BP230 deficiency; Hereditary sensory and autonomic neuropathy type 6. Last evaluated: 2025-08-17. Review status: criteria provided, single submitter. Criteria: Invitae Variant Classification Sherloc (09022015). Collection method: clinical testing. Allele origin: germline.

PreventionGenetics, part of Exact Sciences
Classification: Likely benign for DST-related condition. Last evaluated: 2025-04-07. Review status: criteria provided, single submitter. Criteria: ACMG Guidelines, 2015. Collection method: clinical testing. Allele origin: germline.
Comment: This variant is classified as likely benign based on ACMG/AMP sequence variant interpretation guidelines (Richards et al. 2015 PMID: 25741868, with internal and published modifications).

Ambry Genetics
Classification: Likely benign for Inborn genetic diseases. Last evaluated: 2020-06-11. Review status: criteria provided, single submitter. Criteria: Ambry Variant Classification Scheme 2023. Collection method: clinical testing. Allele origin: germline.

NM_001374736.1(DST):c.15004A>C (p.Lys5002Gln)

Gene: DST (dystonin; minus strand). Cytogenetic location: 6p12.1.
Variant type: single nucleotide variant.
Coding change: c.15004A>C on transcript NM_001374736.1 (MANE Select); coding-DNA position 15004, A replaced by C.
Protein change: p.Lys5002Gln; replaces lysine 5002 with glutamine.
Molecular consequence: missense variant.
Genome position (GRCh38, 1-based): chr6:56,555,477, T>G on the plus strand (A>C on the coding strand, the complement: DST is on the minus strand). VCF-style: chr6-56555477-T-G. GRCh37 (hg19) VCF-style: chr6-56420275-T-G.
Other names: c.8647A>C, p.Lys2883Gln (NM_001144769.5); c.8233A>C, p.Lys2745Gln (NM_001144770.2); c.15004A>C, p.Lys5002Gln (NM_001374722.1); c.14371A>C, p.Lys4791Gln (NM_001374729.1); c.8113A>C, p.Lys2705Gln (NM_001374730.1, NM_001386100.1, NM_183380.4); c.15031A>C, p.Lys5011Gln (NM_001374734.1); c.7135A>C, p.Lys2379Gln (NM_015548.5); short protein forms K2379Q, K2705Q, K2745Q, K2883Q, K4791Q, K5002Q, K5011Q.
Identifiers: ClinVar variation 1145769 (VCV001145769.12), dbSNP rs201900709, ClinGen allele CA3867890.